The following is an entry in ClinVar:

ClinVar aggregate classification (germline): Uncertain significance (1 of 4 stars; one submission).

Conditions:
Early-infantile DEE. Also called: Ohtahara syndrome; Early infantile epileptic encephalopathy with suppression bursts; Early infantile epileptic encephalopathy. Identifiers: Orphanet 1934, MedGen C0393706, MONDO:0800491.

Allele frequency attached by ClinVar (database versions not stated): gnomAD 0.00002; gnomAD exomes 0.00002; TOPMed 0.00002; ExAC 0.00003.
gnomAD v4.1: 13 of 1,610,552 alleles (0.00081%); highest among the groups gnomAD compares: Admixed American, 0.0033%; no homozygotes.

Submission:

Labcorp Genetics (formerly Invitae), Labcorp
Classification: Uncertain significance for Early-infantile DEE. Last evaluated: 2025-12-28. Review status: criteria provided, single submitter. Criteria: Invitae Variant Classification Sherloc (09022015). Collection method: clinical testing. Allele origin: germline.
Comment: This sequence change replaces arginine, which is basic and polar, with glutamine, which is neutral and polar, at codon 691 of the KCNH5 protein (p.Arg691Gln). This variant is present in population databases (rs200737420, gnomAD 0.003%). This missense change has been observed in individual(s) with clinical features of KCNH5-related conditions (internal data). ClinVar contains an entry for this variant (Variation ID: 845946). An algorithm developed to predict the effect of missense changes on protein structure and function (PolyPhen-2) suggests that this variant is likely to be tolerated. In summary, the available evidence is currently insufficient to determine the role of this variant in disease. Therefore, it has been classified as a Variant of Uncertain Significance.

NM_139318.5(KCNH5):c.2072G>A (p.Arg691Gln)

Gene: KCNH5 (potassium voltage-gated channel subfamily H member 5; minus strand). Cytogenetic location: 14q23.2.
Variant type: single nucleotide variant.
Coding change: c.2072G>A on transcript NM_139318.5 (MANE Select); coding-DNA position 2072, G replaced by A.
Protein change: p.Arg691Gln; replaces arginine 691 with glutamine.
Molecular consequence: missense variant. On other transcripts: 3 prime UTR variant (1).
Genome position (GRCh38, 1-based): chr14:62,708,403, C>T on the plus strand (G>A on the coding strand, the complement: KCNH5 is on the minus strand). VCF-style: chr14-62708403-C-T. GRCh37 (hg19) VCF-style: chr14-63175121-C-T.
Other names: c.*39G>A (NM_172375.3); short protein forms R691Q.
Identifiers: ClinVar variation 845946 (VCV000845946.10), dbSNP rs200737420, ClinGen allele CA7217321.
Genomic context (GRCh38, chr14:62,708,403, plus strand): 5'-TGGAAGAGCTTTCTGACTGGGTGGTCCACGGGAATGCTGAGGGTCACCTCATTCTTCTGC[C>T]GGAGGCGCTCCTCCTCCTCTTTCTTCACATCACTGATCTTACGAAAGATGATCTGTGGAA-3'
Protein context (NP_647479.2, residues 681-701): DVKKEEEERL[Arg691Gln]QKNEVTLSIP